The following is an entry in ClinVar:

NM_001267052.2(UNC45B):c.113A>G (p.Asp38Gly)

Gene: UNC45B (unc-45 myosin chaperone B; plus strand). Cytogenetic location: 17q12.
Variant type: single nucleotide variant.
Coding change: c.113A>G on transcript NM_001267052.2 (MANE Select); coding-DNA position 113, A replaced by G.
Protein change: p.Asp38Gly; replaces aspartic acid 38 with glycine.
Molecular consequence: missense variant.
Genome position (GRCh38, 1-based): chr17:35,148,376, A>G. VCF-style: chr17-35148376-A-G. GRCh37 (hg19) VCF-style: chr17-33475395-A-G.
Other names: c.113A>G, p.Asp38Gly (NM_001308281.1, NM_173167.3, NM_001033576.2); short protein forms D38G.
Identifiers: ClinVar variation 2647662 (VCV002647662.24), dbSNP rs1567751681, ClinGen allele CA399118670.

ClinVar aggregate classification (germline): Uncertain significance (1 of 4 stars; one submission).

Submission:

CeGaT Center for Human Genetics Tuebingen
Classification: Uncertain significance. Last evaluated: 2022-06-01. Review status: criteria provided, single submitter. Criteria: CeGaT Center For Human Genetics Tuebingen Variant Classification Criteria Version 2. Collection method: clinical testing. Allele origin: germline. Affected: yes. Observed: 1 variant allele.
Comment: UNC45B: PM2